The following is an entry in ClinVar:

NM_001130009.3(GEN1):c.33G>T (p.Glu11Asp)

Gene: GEN1 (GEN1 Holliday junction 5' flap endonuclease; plus strand). Cytogenetic location: 2p24.2.
Variant type: single nucleotide variant.
Coding change: c.33G>T on transcript NM_001130009.3 (MANE Select); coding-DNA position 33, G replaced by T.
Protein change: p.Glu11Asp; replaces glutamic acid 11 with aspartic acid.
Molecular consequence: missense variant.
Genome position (GRCh38, 1-based): chr2:17,759,976, G>T. VCF-style: chr2-17759976-G-T. GRCh37 (hg19) VCF-style: chr2-17941243-G-T.
Other names: c.33G>T, p.Glu11Asp (NM_182625.5); short protein forms E11D.
Identifiers: ClinVar variation 4029339 (VCV004029339.1).

ClinVar aggregate classification (germline): Uncertain significance (1 of 4 stars; one submission).

gnomAD v4.1: 1 of 1,613,972 alleles (0.000062%); highest among the groups gnomAD compares: African/African-American, 0.0013%; no homozygotes.

Submission:

Ambry Genetics
Classification: Uncertain significance. Last evaluated: 2025-06-09. Review status: criteria provided, single submitter. Criteria: Ambry Variant Classification Scheme 2023. Collection method: clinical testing. Allele origin: germline.
Comment: The p.E11D variant (also known as c.33G>T), located in coding exon 1 of the GEN1 gene, results from a G to T substitution at nucleotide position 33. The glutamic acid at codon 11 is replaced by aspartic acid, an amino acid with highly similar properties. This amino acid position is conserved. In addition, this alteration is predicted to be tolerated by in silico analysis. Based on the available evidence, the clinical significance of this variant remains unclear.